The following is an entry in ClinVar:

ClinVar aggregate classification (germline): Uncertain significance. Review status: criteria provided, multiple submitters, no conflicts (2 of 4 stars). 3 submissions from 3 submitters: Uncertain significance (3). Last evaluated 2022-08-25.

Allele frequency attached by ClinVar (database versions not stated): gnomAD 0.00001; gnomAD exomes 0.00001 and 0.00003; TOPMed 0.00002.
gnomAD v4.1: 38 of 1,614,082 alleles (0.0024%); highest among the groups gnomAD compares: Non-Finnish European, 0.0031%; no homozygotes.

Submissions (3):

Blueprint Genetics
Classification: Uncertain significance. Last evaluated: 2022-08-25. Review status: criteria provided, single submitter. Criteria: ACMG Guidelines, 2015. Collection method: clinical testing. Allele origin: germline.

Labcorp Genetics (formerly Invitae), Labcorp
Classification: Uncertain significance. Last evaluated: 2022-08-19. Review status: criteria provided, single submitter. Criteria: Invitae Variant Classification Sherloc (09022015). Collection method: clinical testing. Allele origin: germline.
Comment: This sequence change replaces serine, which is neutral and polar, with arginine, which is basic and polar, at codon 647 of the CNGB1 protein (p.Ser647Arg). This variant is present in population databases (no rsID available, gnomAD 0.003%). This missense change has been observed in individual(s) with CNGB1-related retinal disease (PMID: 33847019). ClinVar contains an entry for this variant (Variation ID: 1410450). Advanced modeling of protein sequence and biophysical properties (such as structural, functional, and spatial information, amino acid conservation, physicochemical variation, residue mobility, and thermodynamic stability) performed at Invitae indicates that this missense variant is expected to disrupt CNGB1 protein function. In summary, the available evidence is currently insufficient to determine the role of this variant in disease. Therefore, it has been classified as a Variant of Uncertain Significance.

Breakthrough Genomics
Classification: Uncertain significance. Review status: criteria provided, single submitter. Criteria: ACMG Guidelines, 2015. Collection method: not provided. Allele origin: germline. Inheritance: Autosomal recessive inheritance. Affected: yes.

Literature cited by the submitters: PubMed 33847019 (cited by Labcorp Genetics (formerly Invitae), Labcorp).

NM_001297.5(CNGB1):c.1941C>A (p.Ser647Arg)

Gene: CNGB1 (cyclic nucleotide gated channel subunit beta 1; minus strand). Cytogenetic location: 16q21.
Variant type: single nucleotide variant.
Coding change: c.1941C>A on transcript NM_001297.5 (MANE Select); coding-DNA position 1941, C replaced by A.
Protein change: p.Ser647Arg; replaces serine 647 with arginine.
Molecular consequence: missense variant.
Genome position (GRCh38, 1-based): chr16:57,919,115, G>T on the plus strand (C>A on the coding strand, the complement: CNGB1 is on the minus strand). VCF-style: chr16-57919115-G-T. GRCh37 (hg19) VCF-style: chr16-57953019-G-T.
Other names: c.1923C>A, p.Ser641Arg (NM_001286130.2); short protein forms S641R, S647R.
Identifiers: ClinVar variation 1410450 (VCV001410450.7), dbSNP rs1187092335, ClinGen allele CA396065465.